The following is an entry in ClinVar:

ClinVar aggregate classification (germline): Uncertain significance. Review status: criteria provided, multiple submitters, no conflicts (2 of 4 stars). 2 submissions from 2 submitters: Uncertain significance (2). Last evaluated 2022-02-18.

Conditions:
Alstrom syndrome (ALMS). Identifiers: Orphanet 64, MedGen C0268425, MONDO:0008763, OMIM 203800.

Allele frequency attached by ClinVar (database versions not stated): TOPMed below 0.00001; gnomAD 0.00001.
gnomAD v4.1: 3 of 1,558,588 alleles (0.00019%); highest among the groups gnomAD compares: East Asian, 0.0023%; no homozygotes.

Submissions (2):

Labcorp Genetics (formerly Invitae), Labcorp
Classification: Uncertain significance for Alstrom syndrome. Last evaluated: 2022-02-18. Review status: criteria provided, single submitter. Criteria: Invitae Variant Classification Sherloc (09022015). Collection method: clinical testing. Allele origin: germline.
Comment: This sequence change replaces aspartic acid, which is acidic and polar, with glycine, which is neutral and non-polar, at codon 260 of the ALMS1 protein (p.Asp260Gly). This variant is present in population databases (rs369122370, gnomAD 0.006%). This variant has not been reported in the literature in individuals affected with ALMS1-related conditions. ClinVar contains an entry for this variant (Variation ID: 1333035). Experimental studies and prediction algorithms are not available or were not evaluated, and the functional significance of this variant is currently unknown. In summary, the available evidence is currently insufficient to determine the role of this variant in disease. Therefore, it has been classified as a Variant of Uncertain Significance.

GeneDx
Classification: Uncertain significance. Last evaluated: 2022-01-06. Review status: criteria provided, single submitter. Criteria: GeneDx Variant Classification Process June 2021. Collection method: clinical testing. Allele origin: germline. Affected: yes.
Comment: Not observed at significant frequency in large population cohorts (gnomAD); In silico analysis supports that this missense variant does not alter protein structure/function; Has not been previously published as pathogenic or benign to our knowledge

NM_001378454.1(ALMS1):c.776A>G (p.Asp259Gly)

Gene: ALMS1 (ALMS1 centrosome and basal body associated protein; plus strand). Cytogenetic location: 2p13.1.
Variant type: single nucleotide variant.
Coding change: c.776A>G on transcript NM_001378454.1 (MANE Select); coding-DNA position 776, A replaced by G.
Protein change: p.Asp259Gly; replaces aspartic acid 259 with glycine.
Molecular consequence: missense variant.
Genome position (GRCh38, 1-based): chr2:73,424,441, A>G. VCF-style: chr2-73424441-A-G. GRCh37 (hg19) VCF-style: chr2-73651569-A-G.
Other names: c.779A>G, p.Asp260Gly (NM_015120.4); short protein forms D259G, D260G.
Identifiers: ClinVar variation 1333035 (VCV001333035.3), dbSNP rs369122370, ClinGen allele CA50367761.